The following is an entry in ClinVar:

ClinVar aggregate classification (germline): Uncertain significance (1 of 4 stars; one submission).

Conditions:
Neuroblastoma, susceptibility to, 3. Also called: ALK-Related Neuroblastic Tumor Susceptibility. Identifiers: Orphanet 635, MedGen C2751681, MONDO:0013083, OMIM 613014.

gnomAD v4.1: 14 of 1,610,314 alleles (0.00087%); highest among the groups gnomAD compares: Non-Finnish European, 0.0012%; no homozygotes.

Submission:

Labcorp Genetics (formerly Invitae), Labcorp
Classification: Uncertain significance for Neuroblastoma, susceptibility to, 3. Last evaluated: 2024-08-06. Review status: criteria provided, single submitter. Criteria: Invitae Variant Classification Sherloc (09022015). Collection method: clinical testing. Allele origin: germline.
Comment: This sequence change replaces histidine, which is basic and polar, with glutamine, which is neutral and polar, at codon 1030 of the ALK protein (p.His1030Gln). This variant is not present in population databases (gnomAD no frequency). This variant has not been reported in the literature in individuals affected with ALK-related conditions. An algorithm developed to predict the effect of missense changes on protein structure and function (PolyPhen-2) suggests that this variant is likely to be tolerated. In summary, the available evidence is currently insufficient to determine the role of this variant in disease. Therefore, it has been classified as a Variant of Uncertain Significance.

NM_004304.5(ALK):c.3090C>G (p.His1030Gln)

Gene: ALK (ALK receptor tyrosine kinase; minus strand). Cytogenetic location: 2p23.2.
Variant type: single nucleotide variant.
Coding change: c.3090C>G on transcript NM_004304.5 (MANE Select); coding-DNA position 3090, C replaced by G.
Protein change: p.His1030Gln; replaces histidine 1030 with glutamine.
Molecular consequence: missense variant.
Genome position (GRCh38, 1-based): chr2:29,225,543, G>C on the plus strand (C>G on the coding strand, the complement: ALK is on the minus strand). VCF-style: chr2-29225543-G-C. GRCh37 (hg19) VCF-style: chr2-29448409-G-C.
Other names: short protein forms H1030Q.
Identifiers: ClinVar variation 3670393 (VCV003670393.2).
Genomic context (GRCh38, chr2:29,225,543, plus strand): 5'-CAGGACCAGGGCGGCCACGAGGGCAGAGGTCACCACAGAGAGGATCAGCGAGAGTGGCAG[G>C]TGTGGCTCCGGGGTGGGTGACACTGGAAGACAGGTCCCACTGGGGTATTGACAACCACAC-3'
Protein context (NP_004295.2, residues 1020-1040): SCIVSPTPEP[His1030Gln]LPLSLILSVV